The following is an entry in ClinVar:

ClinVar aggregate classification (germline): Uncertain significance (1 of 4 stars; one submission).

Conditions:
POLD1-related polyposis and colorectal cancer syndrome (CRCS10). Also called: Colorectal cancer, susceptibility to, 10; Colorectal cancer 10; COLORECTAL CANCER, SUSCEPTIBILITY TO, ON CHROMOSOME 19q. Identifiers: Orphanet 220460, MedGen C2675481, MONDO:0012953, OMIM 612591.

Submission:

Labcorp Genetics (formerly Invitae), Labcorp
Classification: Uncertain significance for POLD1-related polyposis and colorectal cancer syndrome. Last evaluated: 2020-11-10. Review status: criteria provided, single submitter. Criteria: Invitae Variant Classification Sherloc (09022015). Collection method: clinical testing. Allele origin: germline.
Comment: In summary, the available evidence is currently insufficient to determine the role of this variant in disease. Therefore, it has been classified as a Variant of Uncertain Significance. Algorithms developed to predict the effect of missense changes on protein structure and function are either unavailable or do not agree on the potential impact of this missense change (SIFT: "Deleterious"; PolyPhen-2: "Probably Damaging"; Align-GVGD: "Class C0"). This variant has not been reported in the literature in individuals with POLD1-related conditions. This variant is not present in population databases (ExAC no frequency). This sequence change replaces leucine with valine at codon 946 of the POLD1 protein (p.Leu946Val). The leucine residue is highly conserved and there is a small physicochemical difference between leucine and valine.

NM_002691.4(POLD1):c.2836C>G (p.Leu946Val)

Gene: POLD1 (DNA polymerase delta 1, catalytic subunit; plus strand). Cytogenetic location: 19q13.33.
Variant type: single nucleotide variant.
Coding change: c.2836C>G on transcript NM_002691.4 (MANE Select); coding-DNA position 2836, C replaced by G.
Protein change: p.Leu946Val; replaces leucine 946 with valine.
Molecular consequence: missense variant. On other transcripts: non-coding transcript variant (1).
Genome position (GRCh38, 1-based): chr19:50,416,411, C>G. VCF-style: chr19-50416411-C-G. GRCh37 (hg19) VCF-style: chr19-50919668-C-G.
Other names: c.2836C>G, p.Leu946Val (NM_001256849.1); c.2914C>G, p.Leu972Val (NM_001308632.1); short protein forms L946V, L972V.
Identifiers: ClinVar variation 1345157 (VCV001345157.8), dbSNP rs2122490136, ClinGen allele CA406986240.